The following is an entry in ClinVar:

NM_001366385.1(CARD14):c.2159G>A (p.Arg720His)

Genes: CARD14 (caspase recruitment domain family member 14; plus strand), SGSH (N-sulfoglucosamine sulfohydrolase; minus strand). Cytogenetic location: 17q25.3.
Variant type: single nucleotide variant.
Coding change: c.2159G>A on transcript NM_001366385.1 (MANE Select); coding-DNA position 2159, G replaced by A.
Protein change: p.Arg720His; replaces arginine 720 with histidine.
Molecular consequence: missense variant. On other transcripts: non-coding transcript variant (1).
Genome position (GRCh38, 1-based): chr17:80,202,360, G>A. VCF-style: chr17-80202360-G-A. GRCh37 (hg19) VCF-style: chr17-78176159-G-A.
Other names: c.2159G>A, p.Arg720His (NM_001257970.1, NM_024110.4); c.2159G>A (NM_024110.3); short protein forms R720H.
Identifiers: ClinVar variation 444418 (VCV000444418.54), dbSNP rs202094920, ClinGen allele CA8817192.

ClinVar aggregate classification (germline): Conflicting classifications of pathogenicity. Review status: criteria provided, conflicting classifications (1 of 4 stars). 5 submissions from 5 submitters: Uncertain significance (2); Likely benign (3). Last evaluated 2025-12-23.

Conditions:
Inborn genetic diseases. Identifiers: MedGen C0950123, MeSH D030342.
Pityriasis rubra pilaris (PRP). Also called: Pityriasis rubra pilaris--familial type. Identifiers: Orphanet 2897, MedGen C0032027, MONDO:0100017, OMIM 173200, MONDO:0008251.
Psoriasis 2. Identifiers: MedGen C1864497, MONDO:0011269, OMIM 602723.
Autoinflammatory syndrome. Identifiers: Orphanet 93665, MedGen C3890737, MONDO:0019751.

Allele frequency attached by ClinVar (database versions not stated): gnomAD exomes 0.00007 and 0.00003; TOPMed 0.00002; gnomAD 0.00003; ExAC 0.00007.
gnomAD v4.1: 49 of 1,613,306 alleles (0.003%); highest among the groups gnomAD compares: Middle Eastern, 0.016%; no homozygotes.

Submissions (5):

Labcorp Genetics (formerly Invitae), Labcorp
Classification: Uncertain significance for Pityriasis rubra pilaris; Psoriasis 2. Last evaluated: 2025-12-23. Review status: criteria provided, single submitter. Criteria: Invitae Variant Classification Sherloc (09022015). Collection method: clinical testing. Allele origin: germline.
Comment: This sequence change replaces arginine, which is basic and polar, with histidine, which is basic and polar, at codon 720 of the CARD14 protein (p.Arg720His). This variant is present in population databases (rs202094920, gnomAD 0.02%). This variant has not been reported in the literature in individuals affected with CARD14-related conditions. ClinVar contains an entry for this variant (Variation ID: 444418). Invitae Evidence Modeling of protein sequence and biophysical properties (such as structural, functional, and spatial information, amino acid conservation, physicochemical variation, residue mobility, and thermodynamic stability) indicates that this missense variant is not expected to disrupt CARD14 protein function with a negative predictive value of 95%. In summary, the available evidence is currently insufficient to determine the role of this variant in disease. Therefore, it has been classified as a Variant of Uncertain Significance.

Blueprint Genetics
Classification: Likely benign. Last evaluated: 2024-09-14. Review status: criteria provided, single submitter. Criteria: ACMG Guidelines, 2015. Collection method: clinical testing. Allele origin: germline.

Ambry Genetics
Classification: Uncertain significance for Inborn genetic diseases. Last evaluated: 2024-07-15. Review status: criteria provided, single submitter. Criteria: Ambry Variant Classification Scheme 2023. Collection method: clinical testing. Allele origin: germline.

Genome Diagnostics Laboratory, The Hospital for Sick Children
Classification: Likely benign for Autoinflammatory syndrome. Last evaluated: 2019-05-01. Review status: criteria provided, single submitter. Criteria: ACMG Guidelines, 2015. Collection method: clinical testing. Allele origin: germline. Affected: yes.

CeGaT Center for Human Genetics Tuebingen
Classification: Likely benign. Last evaluated: 2017-05-01. Review status: criteria provided, single submitter. Criteria: CeGaT Center For Human Genetics Tuebingen Variant Classification Criteria Version 2. Collection method: clinical testing. Allele origin: germline. Affected: yes. Observed: 1 variant allele.